The following is an entry in ClinVar:

ClinVar aggregate classification (germline): Uncertain significance (1 of 4 stars; one submission).

Conditions:
Hereditary cancer-predisposing syndrome. Also called: Neoplastic Syndromes, Hereditary; Tumor predisposition; Hereditary Cancer Syndrome; Hereditary neoplastic syndrome. Identifiers: Orphanet 140162, MedGen C0027672, MeSH D009386, MONDO:0015356.

Submission:

Ambry Genetics
Classification: Uncertain significance for Hereditary cancer-predisposing syndrome. Last evaluated: 2021-05-14. Review status: criteria provided, single submitter. Criteria: Ambry Variant Classification Scheme 2023. Collection method: clinical testing. Allele origin: germline.
Comment: The c.903+1G>A intronic variant results from a G to A substitution one nucleotide after coding exon 6 of the DICER1 gene. Alterations that disrupt the canonical splice site are expected to result in aberrant splicing. In silico splice site analysis predicts that this alteration will weaken the native splice donor site and will result in the creation or strengthening of a novel splice donor site. The resulting transcript is predicted to be in-frame and is not expected to trigger nonsense-mediated mRNA decay; however, direct evidence is unavailable. The exact functional effect of the missing amino acids is unknown. This nucleotide position is highly conserved in available vertebrate species. Since supporting evidence is limited at this time, the clinical significance of this alteration remains unclear.

NM_177438.3(DICER1):c.903+1G>A

Gene: DICER1 (dicer 1, ribonuclease III; minus strand). Cytogenetic location: 14q32.13.
Variant type: single nucleotide variant.
Coding change: c.903+1G>A on transcript NM_177438.3 (MANE Select); the canonical splice donor site of the intron after coding-DNA position 903, G replaced by A.
Molecular consequence: splice donor variant.
Genome position (GRCh38, 1-based): chr14:95,126,579, C>T on the plus strand (G>A on the coding strand, the complement: DICER1 is on the minus strand). VCF-style: chr14-95126579-C-T. GRCh37 (hg19) VCF-style: chr14-95592916-C-T.
Other names: c.903+1G>A (NM_001291628.2, NM_030621.4, NM_001395677.1 and 14 more transcripts); c.498+1G>A (NM_001395690.1, NM_001395687.1, NM_001395689.1 and 3 more transcripts); c.621+1G>A (NM_001395686.1); c.336+1G>A (NM_001395691.1); c.-666+1G>A (NM_001395697.1).
Identifiers: ClinVar variation 1765538 (VCV001765538.2), dbSNP rs2140232196, ClinGen allele CA390887414.